The following is an entry in ClinVar:

NM_018897.3(DNAH7):c.9809T>G (p.Val3270Gly)

Gene: DNAH7 (dynein axonemal heavy chain 7; minus strand). Cytogenetic location: 2q32.3.
Variant type: single nucleotide variant.
Coding change: c.9809T>G on transcript NM_018897.3 (MANE Select); coding-DNA position 9809, T replaced by G.
Protein change: p.Val3270Gly; replaces valine 3270 with glycine.
Molecular consequence: missense variant.
Genome position (GRCh38, 1-based): chr2:195,809,824, A>C on the plus strand (T>G on the coding strand, the complement: DNAH7 is on the minus strand). VCF-style: chr2-195809824-A-C. GRCh37 (hg19) VCF-style: chr2-196674548-A-C.
Other names: short protein forms V3270G.
Identifiers: ClinVar variation 3343109 (VCV003343109.1).

ClinVar aggregate classification (germline): Uncertain significance (1 of 4 stars; one submission).

Submission:

GeneDx
Classification: Uncertain significance. Last evaluated: 2023-04-13. Review status: criteria provided, single submitter. Criteria: GeneDx Variant Classification Process June 2021. Collection method: clinical testing. Allele origin: germline. Affected: yes.
Comment: Not observed at significant frequency in large population cohorts (gnomAD); In silico analysis supports that this missense variant has a deleterious effect on protein structure/function; Has not been previously published as pathogenic or benign to our knowledge; Variants in candidate genes are classified as variants of uncertain significance in accordance with ACMG guidelines (Richards et al., 2015)